The following is an entry in ClinVar:

ClinVar aggregate classification (germline): Likely pathogenic (1 of 4 stars; one submission).

Submission:

Labcorp Genetics (formerly Invitae), Labcorp
Classification: Likely pathogenic. Last evaluated: 2025-01-15. Review status: criteria provided, single submitter. Criteria: Invitae Variant Classification Sherloc (09022015). Collection method: clinical testing. Allele origin: germline.
Comment: This sequence change replaces aspartic acid, which is acidic and polar, with glycine, which is neutral and non-polar, at codon 239 of the ALPL protein (p.Asp239Gly). This variant is not present in population databases (gnomAD no frequency). This variant has not been reported in the literature in individuals affected with ALPL-related conditions. ClinVar contains an entry for this variant (Variation ID: 2860473). Invitae Evidence Modeling of protein sequence and biophysical properties (such as structural, functional, and spatial information, amino acid conservation, physicochemical variation, residue mobility, and thermodynamic stability) indicates that this missense variant is expected to disrupt ALPL protein function with a positive predictive value of 95%. This variant disrupts the p.Asp239 amino acid residue in ALPL. Other variant(s) that disrupt this residue have been determined to be pathogenic (PMID: 26896157, 31146036). This suggests that this residue is clinically significant, and that variants that disrupt this residue are likely to be disease-causing. In summary, the currently available evidence indicates that the variant is pathogenic, but additional data are needed to prove that conclusively. Therefore, this variant has been classified as Likely Pathogenic.

Literature cited by the submitters: PubMed 26896157; PubMed 31146036.

NM_000478.6(ALPL):c.716A>G (p.Asp239Gly)

Gene: ALPL (alkaline phosphatase, biomineralization associated; plus strand). Cytogenetic location: 1p36.12.
Variant type: single nucleotide variant.
Coding change: c.716A>G on transcript NM_000478.6 (MANE Select); coding-DNA position 716, A replaced by G.
Protein change: p.Asp239Gly; replaces aspartic acid 239 with glycine.
Molecular consequence: missense variant.
Genome position (GRCh38, 1-based): chr1:21,568,171, A>G. VCF-style: chr1-21568171-A-G. GRCh37 (hg19) VCF-style: chr1-21894664-A-G.
Other names: c.551A>G, p.Asp184Gly (NM_001127501.4); c.485A>G, p.Asp162Gly (NM_001177520.3); c.716A>G, p.Asp239Gly (NM_001369803.2, NM_001369804.2, NM_001369805.2); short protein forms D162G, D184G, D239G.
Identifiers: ClinVar variation 2860473 (VCV002860473.3), dbSNP rs2545317352, ClinGen allele CA338879226.